The following is an entry in ClinVar:

ClinVar aggregate classification (germline): Uncertain significance (1 of 4 stars; one submission).

Conditions:
Generalized pustular psoriasis. Identifiers: Orphanet 247353, MedGen C0343055, MONDO:0100491.

Allele frequency attached by ClinVar (database versions not stated): TOPMed below 0.00001; gnomAD exomes 0.00001 and 0.00002; ExAC 0.00002.
gnomAD v4.1: 7 of 1,613,940 alleles (0.00043%); highest among the groups gnomAD compares: Admixed American, 0.012%; no homozygotes.

Submission:

Labcorp Genetics (formerly Invitae), Labcorp
Classification: Uncertain significance for Generalized pustular psoriasis. Last evaluated: 2022-06-13. Review status: criteria provided, single submitter. Criteria: Invitae Variant Classification Sherloc (09022015). Collection method: clinical testing. Allele origin: germline.
Comment: This sequence change replaces leucine, which is neutral and non-polar, with proline, which is neutral and non-polar, at codon 3 of the IL36RN protein (p.Leu3Pro). This variant is present in population databases (rs766403906, gnomAD 0.01%). This variant has not been reported in the literature in individuals affected with IL36RN-related conditions. Algorithms developed to predict the effect of missense changes on protein structure and function (SIFT, PolyPhen-2, Align-GVGD) all suggest that this variant is likely to be disruptive. In summary, the available evidence is currently insufficient to determine the role of this variant in disease. Therefore, it has been classified as a Variant of Uncertain Significance.

NM_012275.3(IL36RN):c.8T>C (p.Leu3Pro)

Gene: IL36RN (interleukin 36 receptor antagonist; plus strand). Cytogenetic location: 2q14.1.
Variant type: single nucleotide variant.
Coding change: c.8T>C on transcript NM_012275.3 (MANE Select); coding-DNA position 8, T replaced by C.
Protein change: p.Leu3Pro; replaces leucine 3 with proline.
Molecular consequence: missense variant.
Genome position (GRCh38, 1-based): chr2:113,059,446, T>C. VCF-style: chr2-113059446-T-C. GRCh37 (hg19) VCF-style: chr2-113817023-T-C.
Other names: c.8T>C, p.Leu3Pro (NM_173170.1); short protein forms L3P.
Identifiers: ClinVar variation 1415063 (VCV001415063.3), dbSNP rs766403906, ClinGen allele CA1838311.